The following is an entry in ClinVar:

NM_001184.4(ATR):c.971A>G (p.Lys324Arg)

Gene: ATR (ATR checkpoint kinase; minus strand). Cytogenetic location: 3q23.
Variant type: single nucleotide variant.
Coding change: c.971A>G on transcript NM_001184.4 (MANE Select); coding-DNA position 971, A replaced by G.
Protein change: p.Lys324Arg; replaces lysine 324 with arginine.
Molecular consequence: missense variant.
Genome position (GRCh38, 1-based): chr3:142,562,431, T>C on the plus strand (A>G on the coding strand, the complement: ATR is on the minus strand). VCF-style: chr3-142562431-T-C. GRCh37 (hg19) VCF-style: chr3-142281273-T-C.
Other names: c.971A>G, p.Lys324Arg (NM_001354579.2); short protein forms K324R.
Identifiers: ClinVar variation 3221314 (VCV003221314.1), dbSNP rs2034916142, ClinGen allele CA354824264.

ClinVar aggregate classification (germline): Uncertain significance (1 of 4 stars; one submission).

Conditions:
Inborn genetic diseases. Identifiers: MedGen C0950123, MeSH D030342.

Submission:

Ambry Genetics
Classification: Uncertain significance for Inborn genetic diseases. Last evaluated: 2023-12-21. Review status: criteria provided, single submitter. Criteria: Ambry Variant Classification Scheme 2023. Collection method: clinical testing. Allele origin: germline.
Comment: The p.K324R variant (also known as c.971A>G), located in coding exon 4 of the ATR gene, results from an A to G substitution at nucleotide position 971. The lysine at codon 324 is replaced by arginine, an amino acid with highly similar properties. This amino acid position is conserved. In addition, this alteration is predicted to be tolerated by in silico analysis. Since supporting evidence is limited at this time, the clinical significance of this alteration remains unclear.